The following is an entry in ClinVar:

ClinVar aggregate classification (germline): Uncertain significance. Review status: criteria provided, multiple submitters, no conflicts (2 of 4 stars). 3 submissions from 3 submitters: Uncertain significance (2). 1 of the submissions does not count toward it. Last evaluated 2025-10-29.

Conditions:
Autosomal recessive limb-girdle muscular dystrophy type 2A (LGMDR1). Also called: Limb-girdle muscular dystrophy, type 2A; Muscular dystrophy, limb-girdle, type 2A, Amish; LEYDEN-MOEBIUS MUSCULAR DYSTROPHY; MUSCULAR DYSTROPHY, PELVOFEMORAL; Calpainopathy. Identifiers: Orphanet 267, MedGen C1869123, MONDO:0009675, OMIM 253600. Disease mechanism: loss of function.
Inborn genetic diseases. Identifiers: MedGen C0950123, MeSH D030342.

Allele frequency attached by ClinVar (database versions not stated): gnomAD exomes 0.00001; TOPMed 0.00001; gnomAD 0.00003 and 0.00004.
gnomAD v4.1: 16 of 1,614,052 alleles (0.00099%); highest among the groups gnomAD compares: Admixed American, 0.005%; no homozygotes.

Submissions (3):

Ambry Genetics
Classification: Uncertain significance for Inborn genetic diseases. Last evaluated: 2025-10-29. Review status: criteria provided, single submitter. Criteria: Ambry Variant Classification Scheme 2023. Collection method: clinical testing. Allele origin: germline.

Labcorp Genetics (formerly Invitae), Labcorp
Classification: Uncertain significance for Autosomal recessive limb-girdle muscular dystrophy type 2A. Last evaluated: 2025-10-01. Review status: criteria provided, single submitter. Criteria: Invitae Variant Classification Sherloc (09022015). Collection method: clinical testing. Allele origin: germline.
Comment: This sequence change replaces arginine, which is basic and polar, with glutamine, which is neutral and polar, at codon 655 of the CAPN3 protein (p.Arg655Gln). This variant is present in population databases (no rsID available, gnomAD 0.003%). This variant has not been reported in the literature in individuals affected with CAPN3-related conditions. ClinVar contains an entry for this variant (Variation ID: 652412). Invitae Evidence Modeling of protein sequence and biophysical properties (such as structural, functional, and spatial information, amino acid conservation, physicochemical variation, residue mobility, and thermodynamic stability) indicates that this missense variant is not expected to disrupt CAPN3 protein function with a negative predictive value of 80%. In summary, the available evidence is currently insufficient to determine the role of this variant in disease. Therefore, it has been classified as a Variant of Uncertain Significance.

Natera, Inc.
Classification: Uncertain significance for Limb-girdle muscular dystrophy type 2A. Last evaluated: 2020-02-26. Review status: no assertion criteria provided. Collection method: clinical testing. Allele origin: germline. Not counted in ClinVar's aggregate classification.

NM_000070.3(CAPN3):c.1964G>A (p.Arg655Gln)

Gene: CAPN3 (calpain 3; plus strand). Cytogenetic location: 15q15.1.
Variant type: single nucleotide variant.
Coding change: c.1964G>A on transcript NM_000070.3 (MANE Select); coding-DNA position 1964, G replaced by A.
Protein change: p.Arg655Gln; replaces arginine 655 with glutamine.
Molecular consequence: missense variant. On other transcripts: 5 prime UTR variant (2).
Genome position (GRCh38, 1-based): chr15:42,409,352, G>A. VCF-style: chr15-42409352-G-A. GRCh37 (hg19) VCF-style: chr15-42701550-G-A.
Other names: c.1946G>A, p.Arg649Gln (NM_024344.2); c.1688G>A, p.Arg563Gln (NM_173087.2); c.428G>A, p.Arg143Gln (NM_173088.2); c.-32G>A (NM_173089.2, NM_173090.2); short protein forms R563Q, R649Q, R143Q, R655Q.
Identifiers: ClinVar variation 652412 (VCV000652412.10), dbSNP rs1049698745, ClinGen allele CA269851800.